The following is an entry in ClinVar:

ClinVar aggregate classification (germline): Uncertain significance (1 of 4 stars; one submission).

Conditions:
Charcot-Marie-Tooth disease axonal type 2F (CMT2F). Also called: CHARCOT-MARIE-TOOTH DISEASE, NEURONAL, TYPE 2F; Charcot-Marie-Tooth Neuropathy Type 2F. Identifiers: Orphanet 99940, MedGen C1847823, MONDO:0011687, OMIM 606595.

Allele frequency attached by ClinVar (database versions not stated): TOPMed below 0.00001; gnomAD 0.00003.

Submission:

Labcorp Genetics (formerly Invitae), Labcorp
Classification: Uncertain significance for Charcot-Marie-Tooth disease axonal type 2F. Last evaluated: 2025-12-09. Review status: criteria provided, single submitter. Criteria: Invitae Variant Classification Sherloc (09022015). Collection method: clinical testing. Allele origin: germline.
Comment: This sequence change replaces threonine, which is neutral and polar, with serine, which is neutral and polar, at codon 180 of the HSPB1 protein (p.Thr180Ser). This variant is present in population databases (no rsID available, gnomAD 0.01%). This missense change has been observed in individual(s) with clinical features of Charcot-Marie-Tooth disease type 2 (internal data). ClinVar contains an entry for this variant (Variation ID: 652095). Invitae Evidence Modeling of protein sequence and biophysical properties (such as structural, functional, and spatial information, amino acid conservation, physicochemical variation, residue mobility, and thermodynamic stability) indicates that this missense variant is not expected to disrupt HSPB1 protein function with a negative predictive value of 95%. This variant disrupts the p.Thr180 amino acid residue in HSPB1. Other variant(s) that disrupt this residue have been determined to be pathogenic (PMID: 20870250, 22176143, 27862672, 28144995). This suggests that this residue is clinically significant, and that variants that disrupt this residue are likely to be disease-causing. In summary, the available evidence is currently insufficient to determine the role of this variant in disease. Therefore, it has been classified as a Variant of Uncertain Significance.

Literature cited by the submitters: PubMed 20870250; PubMed 22176143; PubMed 27862672; PubMed 28144995.

NM_001540.5(HSPB1):c.539C>G (p.Thr180Ser)

Gene: HSPB1 (heat shock protein family B (small) member 1; plus strand). Cytogenetic location: 7q11.23.
Variant type: single nucleotide variant.
Coding change: c.539C>G on transcript NM_001540.5 (MANE Select); coding-DNA position 539, C replaced by G.
Protein change: p.Thr180Ser; replaces threonine 180 with serine.
Molecular consequence: missense variant.
Genome position (GRCh38, 1-based): chr7:76,304,094, C>G. VCF-style: chr7-76304094-C-G. GRCh37 (hg19) VCF-style: chr7-75933411-C-G.
Other names: c.539C>G (LRG_248t1); short protein forms T180S.
Identifiers: ClinVar variation 652095 (VCV000652095.8), dbSNP rs1422978230, ClinGen allele CA367766321.